The following is an entry in ClinVar:

ClinVar aggregate classification (germline): Uncertain significance (1 of 4 stars; one submission).

Conditions:
Hereditary cancer-predisposing syndrome. Also called: Tumor predisposition; Hereditary neoplastic syndrome; Neoplastic Syndromes, Hereditary; Hereditary Cancer Syndrome. Identifiers: Orphanet 140162, MedGen C0027672, MeSH D009386, MONDO:0015356.

Submission:

Ambry Genetics
Classification: Uncertain significance for Hereditary cancer-predisposing syndrome. Last evaluated: 2025-03-18. Review status: criteria provided, single submitter. Criteria: Ambry Variant Classification Scheme 2023. Collection method: clinical testing. Allele origin: germline.
Comment: The c.3705_3707delCAA variant (also known as p.N1236del) is located in coding exon 9 of the BRCA1 gene. This variant results from an in-frame CAA deletion at nucleotide positions 3705 to 3707. This results in the in-frame deletion of an asparagine at codon 1236. This amino acid position is not well conserved in available vertebrate species. In addition, this alteration is predicted to be neutral by in silico analysis (Choi Y et al. PLoS ONE. 2012; 7(10):e46688). Based on the available evidence, the clinical significance of this variant remains unclear.

NM_007294.4(BRCA1):c.3705_3707del (p.Asn1236del)

Genes: BRCA1 (BRCA1 DNA repair associated; minus strand), LOC126862571 (BRD4-independent group 4 enhancer GRCh37_chr17:41243136-41244335; plus strand). Cytogenetic location: 17q21.31.
Variant type: Deletion.
Coding change: c.3705_3707del on transcript NM_007294.4 (MANE Select); coding-DNA positions 3705 to 3707, 3 bases deleted (CAA; older notation c.3705_3707delCAA).
Protein change: p.Asn1236del; deletes asparagine 1236.
Molecular consequence: intron variant (on NM_001408451.1). On other transcripts: inframe indel (1).
Genome position (GRCh38, 1-based): chr17:43,091,824-43,091,826, TTG deleted on the plus strand (CAA on the coding strand, the reverse complement: BRCA1 is on the minus strand); deleting any 3 consecutive bases within chr17:43,091,824-43,091,828 gives the same sequence; the c. name uses the placement nearest the transcript's 3' end. VCF-style (leftmost placement, unchanged base first): chr17-43091823-ATTG-A. GRCh37 (hg19) VCF-style: chr17-41243840-ATTG-A.
Other names: c.3372_3374del, p.Asn1125del (NM_001407951.1, NM_001407952.1, NM_001407953.1 and 6 more transcripts); c.3705_3707del, p.Asn1236del (NM_001407594.1, NM_001407596.1, NM_001407597.1 and 30 more transcripts); c.3702_3704del, p.Asn1235del (NM_001407610.1, NM_001407611.1, NM_001407612.1 and 22 more transcripts); c.3696_3698del, p.Asn1233del (NM_001407646.1, NM_001407647.1); c.3582_3584del, p.Asn1195del (NM_001407648.1, NM_001407664.1, NM_001407665.1 and 19 more transcripts); c.3579_3581del, p.Asn1194del (NM_001407649.1, NM_001407685.1, NM_001407686.1 and 11 more transcripts); c.3624_3626del, p.Asn1209del (NM_001407660.1, NM_001407661.1, NM_001407662.1 and 1 more transcripts); c.3627_3629del, p.Asn1210del (NM_001407663.1, NM_001407653.1, NM_001407654.1 and 4 more transcripts); and 42 more; short protein forms N1125del, N1148del, N1169del, N1189del, N1194del, N1209del, N1210del, N1236del.
Identifiers: ClinVar variation 3992585 (VCV003992585.1).